The following is an entry in ClinVar:

ClinVar aggregate classification (germline): Benign. Review status: criteria provided, multiple submitters, no conflicts (2 of 4 stars). 4 submissions from 4 submitters: Benign (4). Last evaluated 2023-03-03.

Conditions:
Autosomal recessive nonsyndromic hearing loss 16. Also called: DFNB16 Nonsyndromic Hearing Loss and Deafness; DEAFNESS, AUTOSOMAL RECESSIVE 16. Identifiers: Orphanet 90636, MedGen C1863561, MONDO:0011364, OMIM 603720.

Submissions (4):

Mayo Clinic Laboratories, Mayo Clinic
Classification: Benign. Last evaluated: 2023-03-03. Review status: criteria provided, single submitter. Criteria: ACMG Guidelines, 2015. Collection method: clinical testing. Allele origin: germline. Observed: 3 variant alleles.
Comment: BA1

GeneDx
Classification: Benign. Last evaluated: 2020-05-18. Review status: criteria provided, single submitter. Criteria: GeneDx Variant Classification Process June 2021. Collection method: clinical testing. Allele origin: germline. Affected: yes.
Comment: This variant is associated with the following publications: (PMID: 22147502)

Laboratory for Molecular Medicine, Mass General Brigham Personalized Medicine
Classification: Benign. Last evaluated: 2019-11-04. Review status: criteria provided, single submitter. Criteria: LMM Criteria. Collection method: clinical testing. Allele origin: germline. Observed: 15 variant alleles.
Comment: The p.Leu18del variant in STRC is classified as benign because it has been identified in 22.6% (184/812) of South Asian chromosomes by gnomAD. ACMG/AMP Criteria applied: BA1.

Genome-Nilou Lab
Classification: Benign for Autosomal recessive nonsyndromic hearing loss 16. Review status: criteria provided, single submitter. Criteria: ACMG Guidelines, 2015. Collection method: clinical testing. Allele origin: germline.

Literature cited by the submitters: PubMed 22147502 (cited by Laboratory for Molecular Medicine, Mass General Brigham Personalized Medicine).

NM_153700.2(STRC):c.22CTG[10] (p.Leu18del)

Gene: STRC (stereocilin; minus strand). Cytogenetic location: 15q15.3.
Variant type: Microsatellite.
Coding change: c.22CTG[10] on transcript NM_153700.2 (MANE Select); ten copies in a row of the 3-base unit CTG starting at c.22; the reference has 11 copies in a row; one copy, 3 bases deleted; also written c.52_54del.
Protein change: p.Leu18del; deletes leucine 18.
Molecular consequence: inframe deletion.
Genome position (GRCh38, 1-based): chr15:43,618,669-43,618,671, CAG deleted on the plus strand (CTG on the coding strand, the reverse complement: STRC is on the minus strand); deleting any 3 consecutive bases within chr15:43,618,669-43,618,701 gives the same sequence; the position shown is the placement nearest the transcript's 3' end. VCF-style (leftmost placement, unchanged base first): chr15-43618668-ACAG-A. GRCh37 (hg19) VCF-style: chr15-43910866-ACAG-A.
Other names: p.Leu18del; c.52_54del (NM_153700.2); short protein forms L18del.
Identifiers: ClinVar variation 1120110 (VCV001120110.9), dbSNP rs1567120678, ClinGen allele CA617660030.